The following is an entry in ClinVar:

ClinVar aggregate classification (germline): Benign/Likely benign. Review status: criteria provided, multiple submitters, no conflicts (2 of 4 stars). 5 submissions from 5 submitters: Benign (1); Likely benign (1). 3 of the submissions do not count toward it. Last evaluated 2026-08-01.

Conditions:
PRKAR1B-related disorder. Also called: PRKAR1B-related condition.

Allele frequency attached by ClinVar (database versions not stated): ESP Exome Variant Server 0.00092; TOPMed 0.00130; 1000 Genomes Project 0.00260; 1000 Genomes Project 30x 0.00265; gnomAD exomes 0.00271; ExAC 0.00289.
gnomAD v4.1: 3,068 of 1,614,134 alleles (0.19%); highest among the groups gnomAD compares: Middle Eastern, 1.2%; 18 homozygotes.

Submissions (5):

CeGaT Center for Human Genetics Tuebingen
Classification: Likely benign. Last evaluated: 2026-08-01. Review status: criteria provided, single submitter. Criteria: CeGaT Center For Human Genetics Tuebingen Variant Classification Criteria Version 2. Collection method: clinical testing. Allele origin: germline. Affected: yes. Observed: 4 variant alleles.
Comment: PRKAR1B: BP4, BP7, BS2

Labcorp Genetics (formerly Invitae), Labcorp
Classification: Benign. Last evaluated: 2019-12-31. Review status: criteria provided, single submitter. Criteria: Invitae Variant Classification Sherloc (09022015). Collection method: clinical testing. Allele origin: germline.

PreventionGenetics, part of Exact Sciences
Classification: Benign for PRKAR1B-related condition. Last evaluated: 2024-03-15. Review status: no assertion criteria provided. Collection method: clinical testing. Allele origin: germline. Not counted in ClinVar's aggregate classification.
Comment: This variant is classified as benign based on ACMG/AMP sequence variant interpretation guidelines (Richards et al. 2015 PMID: 25741868, with internal and published modifications).

Clinical Genetics DNA and cytogenetics Diagnostics Lab, Erasmus MC, Erasmus Medical Center
Classification: Likely benign. Review status: no assertion criteria provided. Collection method: clinical testing. Allele origin: germline. Affected: yes. Study: VKGL Data-share Consensus. Not counted in ClinVar's aggregate classification.

Genome Diagnostics Laboratory, Amsterdam University Medical Center
Classification: Likely benign. Review status: no assertion criteria provided. Collection method: clinical testing. Allele origin: germline. Affected: yes. Study: VKGL Data-share Consensus. Not counted in ClinVar's aggregate classification.

NM_001164760.2(PRKAR1B):c.810G>A (p.Ala270=)

Gene: PRKAR1B (protein kinase cAMP-dependent type I regulatory subunit beta; minus strand). Cytogenetic location: 7p22.3.
Variant type: single nucleotide variant.
Coding change: c.810G>A on transcript NM_001164760.2 (MANE Select); coding-DNA position 810, G replaced by A.
Protein change: p.Ala270=; no amino-acid change (alanine 270 retained).
Molecular consequence: synonymous variant.
Genome position (GRCh38, 1-based): chr7:579,337, C>T on the plus strand (G>A on the coding strand, the complement: PRKAR1B is on the minus strand). VCF-style: chr7-579337-C-T. GRCh37 (hg19) VCF-style: chr7-618974-C-T.
Other names: c.810G>A, p.Ala270= (NM_001164758.2, NM_001164759.1, NM_001164761.2 and 2 more transcripts).
Identifiers: ClinVar variation 726501 (VCV000726501.15), dbSNP rs77809618, ClinGen allele CA4109952.